The following is an entry in ClinVar:

NM_000088.4(COL1A1):c.3927del (p.Lys1310fs)

Gene: COL1A1 (collagen type I alpha 1 chain; minus strand). Cytogenetic location: 17q21.33.
Variant type: Deletion.
Coding change: c.3927del on transcript NM_000088.4 (MANE Select); coding-DNA position 3927, one base deleted (G; older notation c.3927delG).
Protein change: p.Lys1310fs; shifts the reading frame from lysine 1310.
Molecular consequence: frameshift variant.
Genome position (GRCh38, 1-based): chr17:50,186,395, C deleted on the plus strand (G on the coding strand, the reverse complement: COL1A1 is on the minus strand). VCF-style (leftmost placement, unchanged base first): chr17-50186394-TC-T. GRCh37 (hg19) VCF-style: chr17-48263755-TC-T.
Other names: c.3927delG (NM_000088.4); short protein forms K1310fs.
Identifiers: ClinVar variation 4280707 (VCV004280707.1).

ClinVar aggregate classification (germline): Pathogenic (1 of 4 stars; one submission).

Conditions:
Osteogenesis imperfecta type I (OI1). Also called: OI, TYPE I; OSTEOGENESIS IMPERFECTA TARDA; OSTEOGENESIS IMPERFECTA WITH BLUE SCLERAE; Osteogenesis imperfecta type 1; Lobstein's Disease; Lobstein disease. Identifiers: Orphanet 216796, Orphanet 666, MedGen C0023931, MONDO:0008146, OMIM 166200. Disease mechanism: loss of function.

Submission:

Laboratory of Genetic Skeletal Anomaly, Seoul National University Children's Hospital
Classification: Pathogenic for Osteogenesis imperfecta type I. Last evaluated: 2025-03-01. Review status: criteria provided, single submitter. Criteria: ACMG Guidelines, 2015. Collection method: research. Allele origin: germline. Affected: yes.
Comment: This variant is a novel variant not previously reported in the literature or population databases. It was classified based on available in silico predictions and absence from gnomAD.